The following is an entry in ClinVar:

ClinVar aggregate classification (germline): Likely benign. Review status: criteria provided, multiple submitters, no conflicts (2 of 4 stars). 6 submissions from 6 submitters: Likely benign (5). 1 of the submissions does not count toward it. Last evaluated 2025-11-17.

Conditions:
RAD50-related disorder. Also called: RAD50-related condition.
Hereditary cancer-predisposing syndrome. Also called: Tumor predisposition; Neoplastic Syndromes, Hereditary; Hereditary neoplastic syndrome; Hereditary Cancer Syndrome. Identifiers: Orphanet 140162, MedGen C0027672, MeSH D009386, MONDO:0015356.
Nijmegen breakage syndrome-like disorder (NBSLD). Also called: MICROCEPHALY AND SPONTANEOUS CHROMOSOME INSTABILITY WITHOUT IMMUNODEFICIENCY; NBS-LIKE DISORDER; RAD50 DEFICIENCY. Identifiers: Orphanet 240760, MedGen C2751318, MONDO:0013118, OMIM 613078.

Allele frequency attached by ClinVar (database versions not stated): ExAC 0.00002; gnomAD exomes 0.00002 and 0.00005; gnomAD 0.00004 and 0.00007; TOPMed 0.00007.

Submissions (6):

Labcorp Genetics (formerly Invitae), Labcorp
Classification: Likely benign for Hereditary cancer-predisposing syndrome. Last evaluated: 2025-11-17. Review status: criteria provided, single submitter. Criteria: Invitae Variant Classification Sherloc (09022015). Collection method: clinical testing. Allele origin: germline.

Quest Diagnostics Nichols Institute San Juan Capistrano
Classification: Likely benign. Last evaluated: 2024-12-15. Review status: criteria provided, single submitter. Criteria: Quest Diagnostics criteria. Collection method: clinical testing. Allele origin: unknown.

Blueprint Genetics
Classification: Likely benign. Last evaluated: 2022-12-15. Review status: criteria provided, single submitter. Criteria: ACMG Guidelines, 2015. Collection method: clinical testing. Allele origin: germline.

Sema4
Classification: Likely benign for Nijmegen breakage syndrome-like disorder. Last evaluated: 2022-03-02. Review status: criteria provided, single submitter. Criteria: Sema4 Curation Guidelines. Collection method: curation. Allele origin: germline.

Ambry Genetics
Classification: Likely benign for Hereditary cancer-predisposing syndrome. Last evaluated: 2015-03-24. Review status: criteria provided, single submitter. Criteria: Ambry Variant Classification Scheme 2023. Collection method: clinical testing. Allele origin: germline.

PreventionGenetics, part of Exact Sciences
Classification: Likely benign for RAD50-related condition. Last evaluated: 2022-03-17. Review status: no assertion criteria provided. Collection method: clinical testing. Allele origin: germline. Not counted in ClinVar's aggregate classification.
Comment: This variant is classified as likely benign based on ACMG/AMP sequence variant interpretation guidelines (Richards et al. 2015 PMID: 25741868, with internal and published modifications).

NM_005732.4(RAD50):c.2046C>T (p.Pro682=)

Gene: RAD50 (RAD50 double strand break repair protein; plus strand). Cytogenetic location: 5q31.1.
Variant type: single nucleotide variant.
Coding change: c.2046C>T on transcript NM_005732.4 (MANE Select); coding-DNA position 2046, C replaced by T.
Protein change: p.Pro682=; no amino-acid change (proline 682 retained).
Molecular consequence: synonymous variant.
Genome position (GRCh38, 1-based): chr5:132,595,649, C>T. VCF-style: chr5-132595649-C-T. GRCh37 (hg19) VCF-style: chr5-131931341-C-T.
Identifiers: ClinVar variation 183827 (VCV000183827.21), dbSNP rs759476003, ClinGen allele CA186640.